The following is an entry in ClinVar:

NM_000081.4(LYST):c.2908A>C (p.Ile970Leu)

Gene: LYST (lysosomal trafficking regulator; minus strand). Cytogenetic location: 1q42.3.
Variant type: single nucleotide variant.
Coding change: c.2908A>C on transcript NM_000081.4 (MANE Select); coding-DNA position 2908, A replaced by C.
Protein change: p.Ile970Leu; replaces isoleucine 970 with leucine.
Molecular consequence: missense variant.
Genome position (GRCh38, 1-based): chr1:235,806,228, T>G on the plus strand (A>C on the coding strand, the complement: LYST is on the minus strand). VCF-style: chr1-235806228-T-G. GRCh37 (hg19) VCF-style: chr1-235969528-T-G.
Other names: p.Ile970Leu; c.2908A>C, p.Ile970Leu (NM_001301365.1); short protein forms I970L.
Identifiers: ClinVar variation 296412 (VCV000296412.34), dbSNP rs539146732, ClinGen allele CA1467184.

ClinVar aggregate classification (germline): Benign/Likely benign. Review status: criteria provided, multiple submitters, no conflicts (2 of 4 stars). 6 submissions from 6 submitters: Benign (4); Likely benign (2). Last evaluated 2026-01-26.

Conditions:
Autoinflammatory syndrome. Identifiers: Orphanet 93665, MedGen C3890737, MONDO:0019751.
Chédiak-Higashi syndrome (CHS). Also called: Chediak-Higashi Syndrome. Identifiers: Orphanet 167, MedGen C0007965, MONDO:0008963, OMIM 214500.

Allele frequency attached by ClinVar (database versions not stated): gnomAD 0.00001 and 0.00040; TOPMed 0.00009; gnomAD exomes 0.00155; ExAC 0.00177; 1000 Genomes Project 30x 0.00234; 1000 Genomes Project 0.00240.
gnomAD v4.1: 1,216 of 1,613,992 alleles (0.075%); highest among the groups gnomAD compares: South Asian, 1.3%; 19 homozygotes.

Submissions (6):

Labcorp Genetics (formerly Invitae), Labcorp
Classification: Benign for Chédiak-Higashi syndrome. Last evaluated: 2026-01-26. Review status: criteria provided, single submitter. Criteria: Invitae Variant Classification Sherloc (09022015). Collection method: clinical testing. Allele origin: germline.

CeGaT Center for Human Genetics Tuebingen
Classification: Benign. Last evaluated: 2025-01-01. Review status: criteria provided, single submitter. Criteria: CeGaT Center For Human Genetics Tuebingen Variant Classification Criteria Version 2. Collection method: clinical testing. Allele origin: germline. Affected: yes. Observed: 1 variant allele.
Comment: LYST: PP2, BP4, BS1, BS2

Blueprint Genetics
Classification: Likely benign. Last evaluated: 2024-11-06. Review status: criteria provided, single submitter. Criteria: ACMG Guidelines, 2015. Collection method: clinical testing. Allele origin: germline.

Mayo Clinic Laboratories, Mayo Clinic
Classification: Benign. Last evaluated: 2023-07-25. Review status: criteria provided, single submitter. Criteria: ACMG Guidelines, 2015. Collection method: clinical testing. Allele origin: germline. Observed: 4 variant alleles.
Comment: BS1, BS2, BP4

Genome Diagnostics Laboratory, The Hospital for Sick Children
Classification: Likely benign for Autoinflammatory syndrome. Last evaluated: 2022-04-01. Review status: criteria provided, single submitter. Criteria: ACMG Guidelines, 2015. Collection method: clinical testing. Allele origin: germline. Affected: yes.

Illumina Laboratory Services, Illumina
Classification: Benign for Chédiak-Higashi syndrome. Last evaluated: 2018-01-13. Review status: criteria provided, single submitter. Criteria: ICSL Variant Classification Criteria 13 December 2019. Collection method: clinical testing. Allele origin: germline.
Comment: This variant was observed in the ICSL laboratory as part of a predisposition screen in an ostensibly healthy population. It had not been previously curated by ICSL or reported in the Human Gene Mutation Database (HGMD: prior to June 1st, 2018), and was therefore a candidate for classification through an automated scoring system. Utilizing variant allele frequency, disease prevalence and penetrance estimates, and inheritance mode, an automated score was calculated to assess if this variant is too frequent to cause the disease. Based on the score and internal cut-off values, a variant classified as benign is not then subjected to further curation. The score for this variant resulted in a classification of benign for this disease.